The following is an entry in ClinVar:

NM_001085049.3(MRAS):c.192C>T (p.Asp64=)

Gene: MRAS (muscle RAS oncogene homolog; plus strand). Cytogenetic location: 3q22.3.
Variant type: single nucleotide variant.
Coding change: c.192C>T on transcript NM_001085049.3 (MANE Select); coding-DNA position 192, C replaced by T.
Protein change: p.Asp64=; no amino-acid change (aspartic acid 64 retained).
Molecular consequence: synonymous variant. On other transcripts: intron variant (3).
Genome position (GRCh38, 1-based): chr3:138,373,075, C>T. VCF-style: chr3-138373075-C-T. GRCh37 (hg19) VCF-style: chr3-138091917-C-T.
Other names: c.192C>T, p.Asp64= (NM_001252090.2, NM_012219.4); c.-35-24249C>T (NM_001252091.1, NM_001252093.2); c.-36+24043C>T (NM_001252092.2).
Identifiers: ClinVar variation 1782840 (VCV001782840.11), dbSNP rs373753637, ClinGen allele CA2636930.

ClinVar aggregate classification (germline): Conflicting classifications of pathogenicity. Review status: criteria provided, conflicting classifications (1 of 4 stars). 3 submissions from 3 submitters: Uncertain significance (1); Likely benign (1). 1 of the submissions does not count toward it. Last evaluated 2025-11-12.

Conditions:
MRAS-related disorder. Also called: MRAS-related condition.
Inborn genetic diseases. Identifiers: MedGen C0950123, MeSH D030342.

Allele frequency attached by ClinVar (database versions not stated): gnomAD 0.00001; gnomAD exomes 0.00004; ESP Exome Variant Server 0.00008; ExAC 0.00012.
gnomAD v4.1: 48 of 1,466,612 alleles (0.0033%); highest among the groups gnomAD compares: East Asian, 0.0082%; no homozygotes.

Submissions (3):

Labcorp Genetics (formerly Invitae), Labcorp
Classification: Uncertain significance. Last evaluated: 2025-11-12. Review status: criteria provided, single submitter. Criteria: Invitae Variant Classification Sherloc (09022015). Collection method: clinical testing. Allele origin: germline.
Comment: This sequence change affects codon 64 of the MRAS mRNA. It is a 'silent' change, meaning that it does not change the encoded amino acid sequence of the MRAS protein. It affects a nucleotide within the consensus splice site. This variant is present in population databases (rs373753637, gnomAD 0.02%). This variant has not been reported in the literature in individuals affected with MRAS-related conditions. ClinVar contains an entry for this variant (Variation ID: 1782840). Algorithms developed to predict the effect of sequence changes on RNA splicing suggest that this variant is not likely to affect RNA splicing. In summary, the available evidence is currently insufficient to determine the role of this variant in disease. Therefore, it has been classified as a Variant of Uncertain Significance.

Ambry Genetics
Classification: Likely benign for Inborn genetic diseases. Last evaluated: 2022-03-07. Review status: criteria provided, single submitter. Criteria: Ambry Variant Classification Scheme 2023. Collection method: clinical testing. Allele origin: germline.

PreventionGenetics, part of Exact Sciences
Classification: Likely benign for MRAS-related condition. Last evaluated: 2022-02-15. Review status: no assertion criteria provided. Collection method: clinical testing. Allele origin: germline. Not counted in ClinVar's aggregate classification.
Comment: This variant is classified as likely benign based on ACMG/AMP sequence variant interpretation guidelines (Richards et al. 2015 PMID: 25741868, with internal and published modifications).